The following is an entry in ClinVar:

NM_005228.5(EGFR):c.2229T>A (p.Ala743=)

Gene: EGFR (epidermal growth factor receptor; plus strand). Cytogenetic location: 7p11.2.
Variant type: single nucleotide variant.
Coding change: c.2229T>A on transcript NM_005228.5 (MANE Select); coding-DNA position 2229, T replaced by A.
Protein change: p.Ala743=; no amino-acid change (alanine 743 retained).
Molecular consequence: synonymous variant.
Genome position (GRCh38, 1-based): chr7:55,174,766, T>A. VCF-style: chr7-55174766-T-A. GRCh37 (hg19) VCF-style: chr7-55242459-T-A.
Other names: c.2229T>A (NM_005228.3); c.2094T>A, p.Ala698= (NM_001346897.2, NM_001346899.2); c.2229T>A, p.Ala743= (NM_001346898.2); c.2070T>A, p.Ala690= (NM_001346900.2); c.1428T>A, p.Ala476= (NM_001346941.2).
Identifiers: ClinVar variation 1120909 (VCV001120909.11), dbSNP rs1259479642, ClinGen allele CA454979399.

ClinVar aggregate classification (germline): Benign/Likely benign. Review status: criteria provided, multiple submitters, no conflicts (2 of 4 stars). 3 submissions from 3 submitters: Benign (1); Likely benign (2). Last evaluated 2025-07-23.

Conditions:
Lung cancer. Also called: Malignant tumor of lung; Lung cancer, somatic. Identifiers: MedGen C0242379, MONDO:0008903, OMIM 211980.
Hereditary cancer-predisposing syndrome. Also called: Neoplastic Syndromes, Hereditary; Hereditary Cancer Syndrome; Hereditary neoplastic syndrome; Tumor predisposition. Identifiers: Orphanet 140162, MedGen C0027672, MeSH D009386, MONDO:0015356.
EGFR-related lung cancer (EGFR). Identifiers: MedGen CN130014.

Allele frequency attached by ClinVar (database versions not stated): gnomAD exomes below 0.00001.
gnomAD v4.1: 3 of 1,614,106 alleles (0.00019%); highest among the groups gnomAD compares: Non-Finnish European, 0.00025%; no homozygotes.

Submissions (3):

Labcorp Genetics (formerly Invitae), Labcorp
Classification: Likely benign for EGFR-related lung cancer. Last evaluated: 2025-07-23. Review status: criteria provided, single submitter. Criteria: Invitae Variant Classification Sherloc (09022015). Collection method: clinical testing. Allele origin: germline.

Ambry Genetics
Classification: Likely benign for Hereditary cancer-predisposing syndrome. Last evaluated: 2025-04-17. Review status: criteria provided, single submitter. Criteria: Ambry Variant Classification Scheme 2023. Collection method: clinical testing. Allele origin: germline.

Myriad Genetics, Inc.
Classification: Benign for Lung cancer. Last evaluated: 2024-10-16. Review status: criteria provided, single submitter. Criteria: Myriad Autosomal Dominant, Autosomal Recessive and X-Linked Classification Criteria (2023). Collection method: clinical testing. Allele origin: unknown.
Comment: This variant is considered benign. This variant is a silent/synonymous amino acid change and it is not expected to impact splicing.